The following is an entry in ClinVar:

ClinVar aggregate classification (germline): Conflicting classifications of pathogenicity. Review status: criteria provided, conflicting classifications (1 of 4 stars). 6 submissions from 6 submitters: Uncertain significance (2); Likely benign (3). 1 of the submissions does not count toward it. Last evaluated 2026-01-26.

Conditions:
RECQL4-related disorder. Also called: RECQL4-related disorders; RECQL4-related condition.
Hereditary cancer-predisposing syndrome. Also called: Tumor predisposition; Neoplastic Syndromes, Hereditary; Hereditary Cancer Syndrome; Hereditary neoplastic syndrome. Identifiers: Orphanet 140162, MedGen C0027672, MeSH D009386, MONDO:0015356.
Baller-Gerold syndrome (BGS). Also called: CRANIOSYNOSTOSIS WITH RADIAL DEFECTS. Identifiers: Orphanet 1225, MedGen C0265308, MONDO:0009039, OMIM 218600.

Allele frequency attached by ClinVar (database versions not stated): gnomAD exomes 0.00023; ExAC 0.00025; ESP Exome Variant Server 0.00055; 1000 Genomes Project 0.00060; gnomAD 0.00060 and 0.00064; TOPMed 0.00066; 1000 Genomes Project 30x 0.00078.
gnomAD v4.1: 245 of 1,612,552 alleles (0.015%); highest among the groups gnomAD compares: African/African-American, 0.2%; no homozygotes.

Submissions (6):

Labcorp Genetics (formerly Invitae), Labcorp
Classification: Likely benign for Baller-Gerold syndrome. Last evaluated: 2026-01-26. Review status: criteria provided, single submitter. Criteria: Invitae Variant Classification Sherloc (09022015). Collection method: clinical testing. Allele origin: germline.

Blueprint Genetics
Classification: Likely benign. Last evaluated: 2023-12-05. Review status: criteria provided, single submitter. Criteria: ACMG Guidelines, 2015. Collection method: clinical testing. Allele origin: germline.

CeGaT Center for Human Genetics Tuebingen
Classification: Likely benign. Last evaluated: 2023-11-01. Review status: criteria provided, single submitter. Criteria: CeGaT Center For Human Genetics Tuebingen Variant Classification Criteria Version 2. Collection method: clinical testing. Allele origin: germline. Affected: yes. Observed: 1 variant allele.
Comment: RECQL4: BP4, BP7

Sema4
Classification: Uncertain significance for Hereditary cancer-predisposing syndrome. Last evaluated: 2021-08-23. Review status: criteria provided, single submitter. Criteria: Sema4 Curation Guidelines. Collection method: curation. Allele origin: germline.
Comment: To the best of our knowledge, the RECQL4 c.3600G>A (p.T1200=) variant has not been reported in individuals with RECQL4-related disease. It was observed in 55/24036 chromosomes of the African/African American subpopulation in the large and broad cohorts of the Genome Aggregation Database (PMID: 32461654). The variant has been reported in ClinVar (Variation ID 94895). In silico tools suggest that the variant may have an impact on splicing, though these predictions have not been confirmed by functional studies. The evidence is insufficient to meet ACMG/AMP criteria for classifying the variant as benign or pathogenic. Thus, the clinical significance of this variant is currently uncertain.

Eurofins Ntd Llc (ga)
Classification: Uncertain significance. Last evaluated: 2012-08-02. Review status: criteria provided, single submitter. Criteria: EGL Classification Definitions 2015. Collection method: clinical testing. Allele origin: germline. Observed: 1 variant allele, 1 heterozygote.

PreventionGenetics, part of Exact Sciences
Classification: Likely benign for RECQL4-related condition. Last evaluated: 2020-09-02. Review status: no assertion criteria provided. Collection method: clinical testing. Allele origin: germline. Not counted in ClinVar's aggregate classification.
Comment: This variant is classified as likely benign based on ACMG/AMP sequence variant interpretation guidelines (Richards et al. 2015 PMID: 25741868, with internal and published modifications).

NM_004260.4(RECQL4):c.3600G>A (p.Thr1200=)

Gene: RECQL4 (RecQ like helicase 4; minus strand). Cytogenetic location: 8q24.3.
Variant type: single nucleotide variant.
Coding change: c.3600G>A on transcript NM_004260.4 (MANE Select); coding-DNA position 3600, G replaced by A.
Protein change: p.Thr1200=; no amino-acid change (threonine 1200 retained).
Molecular consequence: synonymous variant.
Genome position (GRCh38, 1-based): chr8:144,511,458, C>T on the plus strand (G>A on the coding strand, the complement: RECQL4 is on the minus strand). VCF-style: chr8-144511458-C-T. GRCh37 (hg19) VCF-style: chr8-145736841-C-T.
Identifiers: ClinVar variation 94895 (VCV000094895.40), dbSNP rs35225938, ClinGen allele CA222581.
Genomic context (GRCh38, chr8:144,511,458, plus strand): 5'-CAGCTCTACCCGACATCCCCCAATGCAGTGCAGTCAGCGGGCCACCTGCAGGAGCTCTTC[C>T]GTGGCCAGGCCCACCAGGGCATGGAAGCTCAGGTGCAGGTATTTTCTCCAGAAGCGTCGG-3'
Protein context (NP_004251.4, residues 1190-1208): LSFHALVGLA[Thr1200=]EELLQVAR